The following is an entry in ClinVar:

ClinVar aggregate classification (germline): Uncertain significance. Review status: criteria provided, multiple submitters, no conflicts (2 of 4 stars). 2 submissions from 2 submitters: Uncertain significance (2). Last evaluated 2021-06-14.

Allele frequency attached by ClinVar (database versions not stated): gnomAD exomes below 0.00001; TOPMed 0.00001; gnomAD 0.00002.
gnomAD v4.1: 4 of 1,582,692 alleles (0.00025%); highest among the groups gnomAD compares: African/African-American, 0.0054%; no homozygotes.

Submissions (2):

GeneDx
Classification: Uncertain significance. Last evaluated: 2021-06-14. Review status: criteria provided, single submitter. Criteria: GeneDx Variant Classification Process June 2021. Collection method: clinical testing. Allele origin: germline. Affected: yes.
Comment: This variant is associated with the following publications: (PMID: 27535533, 22241855)

Breakthrough Genomics
Classification: Uncertain significance. Review status: criteria provided, single submitter. Criteria: ACMG Guidelines, 2015. Collection method: not provided. Allele origin: germline. Inheritance: Autosomal recessive inheritance. Affected: yes.

NM_001378615.1(CC2D2A):c.3430C>G (p.Leu1144Val)

Genes: CC2D2A (coiled-coil and C2 domain containing 2A; plus strand), FBXL5 (F-box and leucine rich repeat protein 5; minus strand). Cytogenetic location: 4p15.32.
Variant type: single nucleotide variant.
Coding change: c.3430C>G on transcript NM_001378615.1 (MANE Select); coding-DNA position 3430, C replaced by G.
Protein change: p.Leu1144Val; replaces leucine 1144 with valine.
Molecular consequence: missense variant.
Genome position (GRCh38, 1-based): chr4:15,569,324, C>G. VCF-style: chr4-15569324-C-G. GRCh37 (hg19) VCF-style: chr4-15570947-C-G.
Other names: c.3430C>G, p.Leu1144Val (NM_001080522.2); c.3283C>G, p.Leu1095Val (NM_001378617.1); short protein forms L1095V, L1144V.
Identifiers: ClinVar variation 1328679 (VCV001328679.3), dbSNP rs1205003204, ClinGen allele CA356419962.